The following is an entry in ClinVar:

NM_002529.4(NTRK1):c.1773T>A (p.Tyr591Ter)

Gene: NTRK1 (neurotrophic receptor tyrosine kinase 1; plus strand). Cytogenetic location: 1q23.1.
Variant type: single nucleotide variant.
Coding change: c.1773T>A on transcript NM_002529.4 (MANE Select); coding-DNA position 1773, T replaced by A.
Protein change: p.Tyr591Ter; replaces tyrosine 591 with a stop codon.
Molecular consequence: nonsense.
Genome position (GRCh38, 1-based): chr1:156,876,540, T>A. VCF-style: chr1-156876540-T-A. GRCh37 (hg19) VCF-style: chr1-156846332-T-A.
Other names: c.1665T>A, p.Tyr555Ter (NM_001007792.1); c.1755T>A, p.Tyr585Ter (NM_001012331.2); short protein forms Y591*, Y555*, Y585*.
Identifiers: ClinVar variation 3408298 (VCV003408298.1).

ClinVar aggregate classification (germline): Likely pathogenic (1 of 4 stars; one submission).

Conditions:
Inborn genetic diseases. Identifiers: MedGen C0950123, MeSH D030342.

Submission:

Ambry Genetics
Classification: Likely pathogenic for Inborn genetic diseases. Last evaluated: 2024-10-16. Review status: criteria provided, single submitter. Criteria: Ambry Variant Classification Scheme 2023. Collection method: clinical testing. Allele origin: germline.
Comment: The c.1755T>A (p.Y585*) alteration, located in exon 13 (coding exon 13) of the NTRK1 gene, consists of a T to A substitution at nucleotide position 1755. This changes the amino acid from a tyrosine (Y) to a stop codon at amino acid position 585. This alteration may result in loss of function by premature protein truncation and nonsense-mediated mRNA decay. However, in silico splice site analysis predicts that this alteration may disrupt splicing and result in an in-frame deletion that is not expected to trigger nonsense-mediated mRNAdecay. As direct evidence is unavailable, the exact functional effect of the altered amino acid sequence is unknown; however, the impacted region is critical for protein function (Ambry internal data). This variant was not reported in population-based cohorts in the Genome Aggregation Database (gnomAD). In silico splice site analysis predicts that this alteration may result in the creation or strengthening of a novel splice donor site. Based on the available evidence, this alteration is classified as likely pathogenic.